The following is an entry in ClinVar:

ClinVar aggregate classification (germline): Uncertain significance. Review status: criteria provided, multiple submitters, no conflicts (2 of 4 stars). 2 submissions from 2 submitters: Uncertain significance (2). Last evaluated 2023-05-22.

Allele frequency attached by ClinVar (database versions not stated): ExAC 0.00001; gnomAD 0.00001; gnomAD exomes 0.00001; TOPMed 0.00001.
gnomAD v4.1: 20 of 1,613,244 alleles (0.0012%); highest among the groups gnomAD compares: Non-Finnish European, 0.0014%; no homozygotes.

Submissions (2):

Blueprint Genetics
Classification: Uncertain significance. Last evaluated: 2023-05-22. Review status: criteria provided, single submitter. Criteria: ACMG Guidelines, 2015. Collection method: clinical testing. Allele origin: germline.

Labcorp Genetics (formerly Invitae), Labcorp
Classification: Uncertain significance. Last evaluated: 2022-01-26. Review status: criteria provided, single submitter. Criteria: Invitae Variant Classification Sherloc (09022015). Collection method: clinical testing. Allele origin: germline.
Comment: This sequence change replaces phenylalanine, which is neutral and non-polar, with leucine, which is neutral and non-polar, at codon 151 of the KCNV2 protein (p.Phe151Leu). This variant is present in population databases (rs752649092, gnomAD 0.003%). In summary, the available evidence is currently insufficient to determine the role of this variant in disease. Therefore, it has been classified as a Variant of Uncertain Significance. Algorithms developed to predict the effect of missense changes on protein structure and function are either unavailable or do not agree on the potential impact of this missense change (SIFT: "Deleterious"; PolyPhen-2: "Probably Damaging"; Align-GVGD: "Class C0"). ClinVar contains an entry for this variant (Variation ID: 860484). This missense change has been observed in individual(s) with inherited retinal dystrophy (PMID: 21558291).

Literature cited by the submitters: PubMed 21558291 (cited by Labcorp Genetics (formerly Invitae), Labcorp).

NM_133497.4(KCNV2):c.451T>C (p.Phe151Leu)

Gene: KCNV2 (potassium voltage-gated channel modifier subfamily V member 2; plus strand). Cytogenetic location: 9p24.2.
Variant type: single nucleotide variant.
Coding change: c.451T>C on transcript NM_133497.4 (MANE Select); coding-DNA position 451, T replaced by C.
Protein change: p.Phe151Leu; replaces phenylalanine 151 with leucine.
Molecular consequence: missense variant.
Genome position (GRCh38, 1-based): chr9:2,718,190, T>C. VCF-style: chr9-2718190-T-C. GRCh37 (hg19) VCF-style: chr9-2718190-T-C.
Other names: short protein forms F151L.
Identifiers: ClinVar variation 860484 (VCV000860484.8), dbSNP rs752649092, ClinGen allele CA4965455.